The following is an entry in ClinVar:

ClinVar aggregate classification (germline): Likely benign (1 of 4 stars; one submission).

gnomAD v4.1: 44 of 1,577,812 alleles (0.0028%); highest among the groups gnomAD compares: African/African-American, 0.044%; no homozygotes.

Submission:

CeGaT Center for Human Genetics Tuebingen
Classification: Likely benign. Last evaluated: 2026-07-01. Review status: criteria provided, single submitter. Criteria: CeGaT Center For Human Genetics Tuebingen Variant Classification Criteria Version 2. Collection method: clinical testing. Allele origin: germline. Affected: yes. Observed: 1 variant allele.
Comment: LARS1: BP4, BP7

NM_020117.11(LARS1):c.2766G>C (p.Gly922=)

Gene: LARS1 (leucyl-tRNA synthetase 1; minus strand). Cytogenetic location: 5q32.
Variant type: single nucleotide variant.
Coding change: c.2766G>C on transcript NM_020117.11 (MANE Select); coding-DNA position 2766, G replaced by C.
Protein change: p.Gly922=; no amino-acid change (glycine 922 retained).
Molecular consequence: synonymous variant.
Genome position (GRCh38, 1-based): chr5:146,128,981, C>G on the plus strand (G>C on the coding strand, the complement: LARS1 is on the minus strand). VCF-style: chr5-146128981-C-G. GRCh37 (hg19) VCF-style: chr5-145508544-C-G.
Other names: c.2628G>C, p.Gly876= (NM_001317964.2); c.2604G>C, p.Gly868= (NM_001317965.2); c.2685G>C, p.Gly895= (NM_016460.4).
Identifiers: ClinVar variation 5039254 (VCV005039254.1).